The following is an entry in ClinVar:

ClinVar aggregate classification (germline): Uncertain significance (1 of 4 stars; one submission).

gnomAD v4.1: 13 of 1,614,080 alleles (0.00081%); highest among the groups gnomAD compares: Non-Finnish European, 0.0011%; no homozygotes.

Submission:

Ambry Genetics
Classification: Uncertain significance. Last evaluated: 2026-03-03. Review status: criteria provided, single submitter. Criteria: Ambry Variant Classification Scheme 2023. Collection method: clinical testing. Allele origin: germline.
Comment: The c.860T>G (p.L287R) alteration is located in exon 6 (coding exon 6) of the TRIM69 gene. This alteration results from a T to G substitution at nucleotide position 860, causing the leucine (L) at amino acid position 287 to be replaced by an arginine (R). Based on data from gnomAD, the G allele has an overall frequency of <0.001% (1/251374) total alleles studied. The highest observed frequency was 0.001% (1/113670) of European (non-Finnish) alleles. Based on insufficient or conflicting evidence, the clinical significance of this alteration remains unclear.

NM_182985.5(TRIM69):c.860T>G (p.Leu287Arg)

Gene: TRIM69 (tripartite motif containing 69; plus strand). Cytogenetic location: 15q21.1.
Variant type: single nucleotide variant.
Coding change: c.860T>G on transcript NM_182985.5 (MANE Select); coding-DNA position 860, T replaced by G.
Protein change: p.Leu287Arg; replaces leucine 287 with arginine.
Molecular consequence: missense variant.
Genome position (GRCh38, 1-based): chr15:44,759,771, T>G. VCF-style: chr15-44759771-T-G. GRCh37 (hg19) VCF-style: chr15-45051969-T-G.
Other names: c.248T>G, p.Leu83Arg (NM_001301144.2); c.197T>G, p.Leu66Arg (NM_001301145.2); c.149T>G, p.Leu50Arg (NM_001301146.2); c.383T>G, p.Leu128Arg (NM_080745.5); short protein forms L128R, L287R, L66R, L83R, L50R.
Identifiers: ClinVar variation 4833017 (VCV004833017.1).